The following is an entry in ClinVar:

NM_005529.7(HSPG2):c.9328G>A (p.Gly3110Arg)

Gene: HSPG2 (heparan sulfate proteoglycan 2; minus strand). Cytogenetic location: 1p36.12.
Variant type: single nucleotide variant.
Coding change: c.9328G>A on transcript NM_005529.7 (MANE Select); coding-DNA position 9328, G replaced by A.
Protein change: p.Gly3110Arg; replaces glycine 3110 with arginine.
Molecular consequence: missense variant.
Genome position (GRCh38, 1-based): chr1:21,841,539, C>T on the plus strand (G>A on the coding strand, the complement: HSPG2 is on the minus strand). VCF-style: chr1-21841539-C-T. GRCh37 (hg19) VCF-style: chr1-22168032-C-T.
Other names: c.9331G>A, p.Gly3111Arg (NM_001291860.2); c.9328G>A (NM_005529.5); short protein forms G3111R, G3110R.
Identifiers: ClinVar variation 1924944 (VCV001924944.7), dbSNP rs770470163, ClinGen allele CA670488.

ClinVar aggregate classification (germline): Uncertain significance. Review status: criteria provided, multiple submitters, no conflicts (2 of 4 stars). 2 submissions from 2 submitters: Uncertain significance (2). Last evaluated 2025-06-12.

Allele frequency attached by ClinVar (database versions not stated): ExAC 0.00002; TOPMed 0.00002; gnomAD 0.00003; gnomAD exomes 0.00008.
gnomAD v4.1: 120 of 1,614,064 alleles (0.0074%); highest among the groups gnomAD compares: Non-Finnish European, 0.0095%; no homozygotes.

Submissions (3):

GeneDx
Classification: Uncertain significance. Last evaluated: 2025-06-12. Review status: criteria provided, single submitter. Criteria: GeneDx Variant Classification Process June 2021. Collection method: clinical testing. Allele origin: germline. Affected: yes.
Comment: In silico analysis supports that this missense variant has a deleterious effect on protein structure/function; Has not been previously published as pathogenic or benign to our knowledge; In silico analysis is inconclusive as to whether the variant alters gene splicing. In the absence of RNA/functional studies, the actual effect of this sequence change is unknown.

Labcorp Genetics (formerly Invitae), Labcorp
Classification: Uncertain significance. Last evaluated: 2022-12-07. Review status: criteria provided, single submitter. Criteria: Invitae Variant Classification Sherloc (09022015). Collection method: clinical testing. Allele origin: germline.
Comment: In summary, the available evidence is currently insufficient to determine the role of this variant in disease. Therefore, it has been classified as a Variant of Uncertain Significance. Variants that disrupt the consensus splice site are a relatively common cause of aberrant splicing (PMID: 17576681, 9536098). Algorithms developed to predict the effect of sequence changes on RNA splicing suggest that this variant may disrupt the consensus splice site. Algorithms developed to predict the effect of missense changes on protein structure and function are either unavailable or do not agree on the potential impact of this missense change (SIFT: "Tolerated"; PolyPhen-2: "Probably Damaging"; Align-GVGD: "Class C0"). This variant has not been reported in the literature in individuals affected with HSPG2-related conditions. This variant is present in population databases (rs770470163, gnomAD 0.007%). This sequence change replaces glycine, which is neutral and non-polar, with arginine, which is basic and polar, at codon 3110 of the HSPG2 protein (p.Gly3110Arg). This variant also falls at the last nucleotide of exon 70, which is part of the consensus splice site for this exon.

Dr. Peter K. Rogan Lab, Western University
No classification provided (evidence only). Condition: Ovarian serous cystadenocarcinoma. Review status: no classification provided. Collection method: in vitro. Allele origin: not applicable. Functional consequence: retained intron. Not counted in ClinVar's aggregate classification.

Literature cited by the submitters: PubMed 17576681 (cited by Labcorp Genetics (formerly Invitae), Labcorp); PubMed 9536098 (cited by Labcorp Genetics (formerly Invitae), Labcorp).